The following is an entry in ClinVar:

NM_001145358.2(SIN3A):c.2032G>A (p.Ala678Thr)

Gene: SIN3A (SIN3 transcription regulator family member A; minus strand). Cytogenetic location: 15q24.2.
Variant type: single nucleotide variant.
Coding change: c.2032G>A on transcript NM_001145358.2 (MANE Select); coding-DNA position 2032, G replaced by A.
Protein change: p.Ala678Thr; replaces alanine 678 with threonine.
Molecular consequence: missense variant.
Genome position (GRCh38, 1-based): chr15:75,396,319, C>T on the plus strand (G>A on the coding strand, the complement: SIN3A is on the minus strand). VCF-style: chr15-75396319-C-T. GRCh37 (hg19) VCF-style: chr15-75688660-C-T.
Other names: c.2032G>A, p.Ala678Thr (NM_001145357.2, NM_015477.3); short protein forms A678T.
Identifiers: ClinVar variation 2229122 (VCV002229122.2), dbSNP rs1323905815, ClinGen allele CA393495211.

ClinVar aggregate classification (germline): Uncertain significance (1 of 4 stars; one submission).

Conditions:
Inborn genetic diseases. Identifiers: MedGen C0950123, MeSH D030342.

Allele frequency attached by ClinVar (database versions not stated): gnomAD exomes below 0.00001.
gnomAD v4.1: 3 of 1,614,192 alleles (0.00019%); highest among the groups gnomAD compares: Admixed American, 0.0017%; no homozygotes.

Submission:

Ambry Genetics
Classification: Uncertain significance for Inborn genetic diseases. Last evaluated: 2021-02-11. Review status: criteria provided, single submitter. Criteria: Ambry Variant Classification Scheme 2023. Collection method: clinical testing. Allele origin: germline.
Comment: The c.2032G>A (p.A678T) alteration is located in exon 13 (coding exon 12) of the SIN3A gene. This alteration results from a G to A substitution at nucleotide position 2032, causing the alanine (A) at amino acid position 678 to be replaced by a threonine (T). Based on data from the Genome Aggregation Database (gnomAD) database, the SIN3A c.2032G>A alteration was observed in <0.01% (1/251370) of total alleles studied, with a frequency of <0.01% (1/34586) in the Latino subpopulation. The p.A678T alteration is predicted to be tolerated by in silico analysis. Based on insufficient or conflicting evidence, the clinical significance of this alteration remains unclear.